The following is an entry in ClinVar:

NM_000245.4(MET):c.3523-6C>T

Gene: MET (MET proto-oncogene, receptor tyrosine kinase; plus strand). Cytogenetic location: 7q31.2.
Variant type: single nucleotide variant.
Coding change: c.3523-6C>T on transcript NM_000245.4 (MANE Select); 6 bases into the intron before coding-DNA position 3523, C replaced by T.
Molecular consequence: intron variant.
Genome position (GRCh38, 1-based): chr7:116,781,982, C>T. VCF-style: chr7-116781982-C-T. GRCh37 (hg19) VCF-style: chr7-116422036-C-T.
Other names: c.3577-6C>T (LRG_662t1, NM_001127500.3); c.2233-6C>T (NM_001324402.2).
Identifiers: ClinVar variation 524910 (VCV000524910.11), dbSNP rs1554400069, ClinGen allele CA658796999.

ClinVar aggregate classification (germline): Likely benign. Review status: criteria provided, multiple submitters, no conflicts (2 of 4 stars). 2 submissions from 2 submitters: Likely benign (2). Last evaluated 2025-07-01.

Conditions:
Papillary renal cell carcinoma type 1 (RCCP1). Also called: RENAL CELL CARCINOMA, PAPILLARY, 1, SOMATIC; Renal adenocarcinoma; Renal cell carcinoma 1; Renal cell carcinoma, somatic. Identifiers: Orphanet 47044, MedGen C1336839, OMIM 605074, HP:0011797.
Renal cell carcinoma. Identifiers: Orphanet 217071, MedGen C0007134, MeSH D002292, MONDO:0005086, HP:0005584.

Allele frequency attached by ClinVar (database versions not stated): gnomAD exomes below 0.00001; TOPMed below 0.00001.
gnomAD v4.1: 4 of 1,585,670 alleles (0.00025%); highest among the groups gnomAD compares: Non-Finnish European, 0.00035%; no homozygotes.

Submissions (2):

Labcorp Genetics (formerly Invitae), Labcorp
Classification: Likely benign for Renal cell carcinoma. Last evaluated: 2025-07-01. Review status: criteria provided, single submitter. Criteria: Invitae Variant Classification Sherloc (09022015). Collection method: clinical testing. Allele origin: germline.

Myriad Genetics, Inc.
Classification: Likely benign for Papillary renal cell carcinoma type 1. Last evaluated: 2024-11-13. Review status: criteria provided, single submitter. Criteria: Myriad Autosomal Dominant, Autosomal Recessive and X-Linked Classification Criteria (2023). Collection method: clinical testing. Allele origin: unknown.
Comment: This variant is considered likely benign. This variant is intronic and is not expected to impact mRNA splicing.